The following is an entry in ClinVar:

ClinVar aggregate classification (germline): Likely pathogenic (1 of 4 stars; one submission).

Conditions:
Intellectual developmental disorder, autosomal recessive 65. Also called: Intellectual disability, autosomal recessive 65; MENTAL RETARDATION, AUTOSOMAL RECESSIVE 65. Identifiers: MedGen C4748219, MONDO:0020850, OMIM 618109.

Submission:

Clinical Genomics Laboratory, Stanford Medicine
Classification: Likely pathogenic for Intellectual developmental disorder, autosomal recessive 65. Last evaluated: 2021-06-30. Review status: criteria provided, single submitter. Criteria: ACMG Guidelines, 2015. Collection method: clinical testing. Allele origin: germline. Inheritance: Autosomal recessive inheritance. Affected: yes. Observed: 1 compound heterozygote.
Comment: This variant was absent from large population databases, including the Genome Aggregation Database. Loss of function is an established mechanism of disease for the KDM5B gene. These data were assessed using the ACMG/AMP variant interpretation guidelines. In summary, there is sufficient evidence to classify the p.Arg1103Serfs*5 variant as likely pathogenic for KDM5B-related disease in an autosomal recessive manner based on the information above. [ACMG evidence codes used: PVS1_Strong; PM2]

NM_006618.5(KDM5B):c.3309_3312del (p.Arg1103fs)

Gene: KDM5B (lysine demethylase 5B; minus strand). Cytogenetic location: 1q32.1.
Variant type: Deletion.
Coding change: c.3309_3312del on transcript NM_006618.5 (MANE Select); coding-DNA positions 3309 to 3312, 4 bases deleted (GAAG; older notation c.3309_3312delGAAG).
Protein change: p.Arg1103fs; shifts the reading frame from arginine 1103.
Molecular consequence: frameshift variant.
Genome position (GRCh38, 1-based): chr1:202,735,540-202,735,543, CTTC deleted on the plus strand (GAAG on the coding strand, the reverse complement: KDM5B is on the minus strand); deleting any 4 consecutive bases within chr1:202,735,540-202,735,546 gives the same sequence; the c. name uses the placement nearest the transcript's 3' end. VCF-style (leftmost placement, unchanged base first): chr1-202735539-GCTTC-G. GRCh37 (hg19) VCF-style: chr1-202704667-GCTTC-G.
Other names: p.Arg1103Serfs*5; c.3417_3420del, p.Arg1139fs (NM_001314042.2); c.3174_3177del, p.Arg1058fs (NM_001347591.2); c.3294_3297del, p.Arg1098fs (NM_001399817.1); short protein forms R1058fs, R1098fs, R1103fs, R1139fs.
Identifiers: ClinVar variation 2687877 (VCV002687877.1), dbSNP rs2527421668, ClinGen allele CA2697554848.
Genomic context (GRCh38, chr1:202,735,539, plus strand): 5'-GACTCTCTAATTTGGTGCTTTTTTTCTTTCCATTTGGCAAGGGCTCCTTTAACTTTCTCT[GCTTC>G]CTTTTCAATCCCAAAAGGCCAATATCACATCGAGGACACAGCACCTAATGTGGGACAAGG-3'